The following is an entry in ClinVar:

ClinVar aggregate classification (germline): Uncertain significance. Review status: criteria provided, multiple submitters, no conflicts (2 of 4 stars). 3 submissions from 3 submitters: Uncertain significance (3). Last evaluated 2024-01-14.

Conditions:
Hereditary cancer-predisposing syndrome. Also called: Neoplastic Syndromes, Hereditary; Tumor predisposition; Hereditary Cancer Syndrome; Hereditary neoplastic syndrome. Identifiers: Orphanet 140162, MedGen C0027672, MeSH D009386, MONDO:0015356.
Hereditary nonpolyposis colorectal neoplasms. Identifiers: MedGen C0009405, MeSH D003123.
Endometrial carcinoma. Also called: Endometrial carcinoma, somatic. Identifiers: MedGen C0476089, MONDO:0002447, OMIM 608089, HP:0012114.

Submissions (3):

Ambry Genetics
Classification: Uncertain significance for Hereditary cancer-predisposing syndrome. Last evaluated: 2024-01-14. Review status: criteria provided, single submitter. Criteria: Ambry Variant Classification Scheme 2023. Collection method: clinical testing. Allele origin: germline.
Comment: The p.F451C variant (also known as c.1352T>G), located in coding exon 4 of the MSH6 gene, results from a T to G substitution at nucleotide position 1352. The phenylalanine at codon 451 is replaced by cysteine, an amino acid with highly dissimilar properties. This amino acid position is conserved. In addition, this alteration is predicted to be deleterious by in silico analysis. Since supporting evidence is limited at this time, the clinical significance of this alteration remains unclear.

Labcorp Genetics (formerly Invitae), Labcorp
Classification: Uncertain significance for Hereditary nonpolyposis colorectal neoplasms. Last evaluated: 2023-12-22. Review status: criteria provided, single submitter. Criteria: Invitae Variant Classification Sherloc (09022015). Collection method: clinical testing. Allele origin: germline.
Comment: This sequence change replaces phenylalanine, which is neutral and non-polar, with cysteine, which is neutral and slightly polar, at codon 451 of the MSH6 protein (p.Phe451Cys). This variant is not present in population databases (gnomAD no frequency). This variant has not been reported in the literature in individuals affected with MSH6-related conditions. Advanced modeling of protein sequence and biophysical properties (such as structural, functional, and spatial information, amino acid conservation, physicochemical variation, residue mobility, and thermodynamic stability) has been performed at Invitae for this missense variant, however the output from this modeling did not meet the statistical confidence thresholds required to predict the impact of this variant on MSH6 protein function. In summary, the available evidence is currently insufficient to determine the role of this variant in disease. Therefore, it has been classified as a Variant of Uncertain Significance.

Baylor Genetics
Classification: Uncertain significance for Endometrial carcinoma. Last evaluated: 2023-08-02. Review status: criteria provided, single submitter. Criteria: ACMG Guidelines, 2015. Collection method: clinical testing. Allele origin: unknown.

NM_000179.3(MSH6):c.1352T>G (p.Phe451Cys)

Gene: MSH6 (mutS homolog 6; plus strand). Cytogenetic location: 2p16.3.
Variant type: single nucleotide variant.
Coding change: c.1352T>G on transcript NM_000179.3 (MANE Select); coding-DNA position 1352, T replaced by G.
Protein change: p.Phe451Cys; replaces phenylalanine 451 with cysteine.
Molecular consequence: missense variant. On other transcripts: non-coding transcript variant (4), intron variant (1).
Genome position (GRCh38, 1-based): chr2:47,799,335, T>G. VCF-style: chr2-47799335-T-G. GRCh37 (hg19) VCF-style: chr2-48026474-T-G.
Other names: c.962T>G, p.Phe321Cys (NM_001281492.2); c.446T>G, p.Phe149Cys (NM_001281493.2, NM_001281494.2, NM_001406811.1 and 6 more transcripts); c.1448T>G, p.Phe483Cys (NM_001406795.1, NM_001406802.1); c.1352T>G, p.Phe451Cys (NM_001406796.1, NM_001406798.1, NM_001406800.1 and 4 more transcripts); c.1055T>G, p.Phe352Cys (NM_001406797.1, NM_001406801.1, NM_001406805.1 and 10 more transcripts); c.827T>G, p.Phe276Cys (NM_001406799.1, NM_001406806.1, NM_001406807.1); c.1274T>G, p.Phe425Cys (NM_001406804.1); c.1358T>G, p.Phe453Cys (NM_001406813.1); and 2 more; short protein forms F149C, F276C, F321C, F352C, F395C, F425C, F451C, F453C.
Identifiers: ClinVar variation 2676804 (VCV002676804.5), dbSNP rs2104338523, ClinGen allele CA346744673.
Genomic context (GRCh38, chr2:47,799,335, plus strand): 5'-AATTTTATGAGCTGTACCACATGGATGCTCTTATTGGAGTCAGTGAACTGGGGCTGGTAT[T>G]CATGAAAGGCAACTGGGCCCATTCTGGCTTTCCTGAAATTGCATTTGGCCGTTATTCAGA-3'
Protein context (NP_000170.1, residues 441-461): LIGVSELGLV[Phe451Cys]MKGNWAHSGF